The following is an entry in ClinVar:

ClinVar aggregate classification (germline): Pathogenic/Likely pathogenic. Review status: criteria provided, multiple submitters, no conflicts (2 of 4 stars). 4 submissions from 4 submitters: Pathogenic (2); Likely pathogenic (1). 1 of the submissions does not count toward it. Last evaluated 2022-04-30.

Conditions:
Niemann-Pick disease, type C1. Also called: NEUROVISCERAL STORAGE DISEASE WITH VERTICAL SUPRANUCLEAR OPHTHALMOPLEGIA; NIEMANN-PICK DISEASE WITH CHOLESTEROL ESTERIFICATION BLOCK; NIEMANN-PICK DISEASE WITHOUT SPHINGOMYELINASE DEFICIENCY; NIEMANN-PICK DISEASE, CHRONIC NEURONOPATHIC FORM; NIEMANN-PICK DISEASE, VARIANT TYPE C1. Identifiers: Orphanet 646, MedGen C3179455, MONDO:0009757, OMIM 257220.

Submissions (4):

Labcorp Genetics (formerly Invitae), Labcorp
Classification: Pathogenic for Niemann-Pick disease, type C1. Last evaluated: 2022-04-30. Review status: criteria provided, single submitter. Criteria: Invitae Variant Classification Sherloc (09022015). Collection method: clinical testing. Allele origin: germline.
Comment: This sequence change creates a premature translational stop signal (p.Asp994Argfs*13) in the NPC1 gene. It is expected to result in an absent or disrupted protein product. Loss-of-function variants in NPC1 are known to be pathogenic (PMID: 9211850). This variant is not present in population databases (gnomAD no frequency). This variant has not been reported in the literature in individuals affected with NPC1-related conditions. ClinVar contains an entry for this variant (Variation ID: 553225). For these reasons, this variant has been classified as Pathogenic.

Fulgent Genetics
Classification: Likely pathogenic for Niemann-Pick disease, type C1. Last evaluated: 2021-08-14. Review status: criteria provided, single submitter. Criteria: ACMG Guidelines, 2015. Collection method: clinical testing. Allele origin: unknown.

CENTOGENE GmbH and LLC - Guiding Precision Medicine
Classification: Pathogenic for Niemann-Pick disease type C1. Review status: criteria provided, single submitter. Criteria: ACMG Guidelines, 2015. Collection method: clinical testing. Allele origin: germline. Affected: yes.

Counsyl
Classification: Likely pathogenic for Niemann-Pick disease, type C1. Last evaluated: 2017-08-08. Review status: no assertion criteria provided. Collection method: clinical testing. Allele origin: unknown. Not counted in ClinVar's aggregate classification.

Literature cited by the submitters: PubMed 9211850 (cited by Labcorp Genetics (formerly Invitae), Labcorp).

NM_000271.5(NPC1):c.2978dup (p.Asp994fs)

Gene: NPC1 (NPC intracellular cholesterol transporter 1; minus strand). Cytogenetic location: 18q11.2.
Variant type: Duplication.
Coding change: c.2978dup on transcript NM_000271.5 (MANE Select); coding-DNA position 2978, one base duplicated (G; older notation c.2978dupG).
Protein change: p.Asp994fs; shifts the reading frame from aspartic acid 994.
Molecular consequence: frameshift variant.
Genome position (GRCh38, 1-based): chr18:23,538,605, C duplicated on the plus strand (G on the coding strand, the reverse complement: NPC1 is on the minus strand); the first of 6 consecutive C bases (chr18:23,538,605-23,538,610); duplicating any one gives the same sequence. VCF-style (leftmost placement, unchanged base first): chr18-23538604-T-TC. GRCh37 (hg19) VCF-style: chr18-21118568-T-TC.
Other names: c.2978dupG (NM_000271.4); short protein forms D994fs.
Identifiers: ClinVar variation 553225 (VCV000553225.11), dbSNP rs775915490, ClinGen allele CA658824813.